The following is an entry in ClinVar:

NM_004655.4(AXIN2):c.557C>T (p.Ala186Val)

Gene: AXIN2 (axin 2; minus strand). Cytogenetic location: 17q24.1.
Variant type: single nucleotide variant.
Coding change: c.557C>T on transcript NM_004655.4 (MANE Select); coding-DNA position 557, C replaced by T.
Protein change: p.Ala186Val; replaces alanine 186 with valine.
Molecular consequence: missense variant.
Genome position (GRCh38, 1-based): chr17:65,558,064, G>A on the plus strand (C>T on the coding strand, the complement: AXIN2 is on the minus strand). VCF-style: chr17-65558064-G-A. GRCh37 (hg19) VCF-style: chr17-63554182-G-A.
Other names: c.557C>T, p.Ala186Val (NM_001363813.1); short protein forms A186V.
Identifiers: ClinVar variation 1748409 (VCV001748409.8), dbSNP rs757415705, ClinGen allele CA8719036.

ClinVar aggregate classification (germline): Uncertain significance. Review status: criteria provided, multiple submitters, no conflicts (2 of 4 stars). 2 submissions from 2 submitters: Uncertain significance (2). Last evaluated 2025-12-10.

Conditions:
Hereditary cancer-predisposing syndrome. Also called: Hereditary Cancer Syndrome; Hereditary neoplastic syndrome; Neoplastic Syndromes, Hereditary; Tumor predisposition. Identifiers: Orphanet 140162, MedGen C0027672, MeSH D009386, MONDO:0015356.
Oligodontia-cancer predisposition syndrome. Also called: TOOTH AGENESIS-COLORECTAL CANCER SYNDROME. Identifiers: Orphanet 300576, MedGen C1837750, MONDO:0012075, OMIM 608615. Disease mechanism: loss of function.

Allele frequency attached by ClinVar (database versions not stated): ExAC 0.00001.

Submissions (2):

Labcorp Genetics (formerly Invitae), Labcorp
Classification: Uncertain significance for Oligodontia-cancer predisposition syndrome. Last evaluated: 2025-12-10. Review status: criteria provided, single submitter. Criteria: Invitae Variant Classification Sherloc (09022015). Collection method: clinical testing. Allele origin: germline.
Comment: This sequence change replaces alanine, which is neutral and non-polar, with valine, which is neutral and non-polar, at codon 186 of the AXIN2 protein (p.Ala186Val). This variant is present in population databases (rs757415705, gnomAD 0.006%). This variant has not been reported in the literature in individuals affected with AXIN2-related conditions. ClinVar contains an entry for this variant (Variation ID: 1748409). Invitae Evidence Modeling of protein sequence and biophysical properties (such as structural, functional, and spatial information, amino acid conservation, physicochemical variation, residue mobility, and thermodynamic stability) has been performed for this missense variant. However, the output from this modeling did not meet the statistical confidence thresholds required to predict the impact of this variant on AXIN2 protein function. In summary, the available evidence is currently insufficient to determine the role of this variant in disease. Therefore, it has been classified as a Variant of Uncertain Significance.

Ambry Genetics
Classification: Uncertain significance for Hereditary cancer-predisposing syndrome. Last evaluated: 2024-11-16. Review status: criteria provided, single submitter. Criteria: Ambry Variant Classification Scheme 2023. Collection method: clinical testing. Allele origin: germline.
Comment: The p.A186V variant (also known as c.557C>T), located in coding exon 1 of the AXIN2 gene, results from a C to T substitution at nucleotide position 557. The alanine at codon 186 is replaced by valine, an amino acid with similar properties. This amino acid position is highly conserved in available vertebrate species. In addition, the in silico prediction for this alteration is inconclusive. Since supporting evidence is limited at this time, the clinical significance of this alteration remains unclear.